The following is an entry in ClinVar:

NM_014264.5(PLK4):c.2294T>C (p.Ile765Thr)

Gene: PLK4 (polo like kinase 4; plus strand). Cytogenetic location: 4q28.1.
Variant type: single nucleotide variant.
Coding change: c.2294T>C on transcript NM_014264.5 (MANE Select); coding-DNA position 2294, T replaced by C.
Protein change: p.Ile765Thr; replaces isoleucine 765 with threonine.
Molecular consequence: missense variant.
Genome position (GRCh38, 1-based): chr4:127,893,390, T>C. VCF-style: chr4-127893390-T-C. GRCh37 (hg19) VCF-style: chr4-128814545-T-C.
Other names: c.2198T>C, p.Ile733Thr (NM_001190799.2); c.2171T>C, p.Ile724Thr (NM_001190801.2); short protein forms I733T, I724T, I765T.
Identifiers: ClinVar variation 1512917 (VCV001512917.8), dbSNP rs753271817, ClinGen allele CA358161543.

ClinVar aggregate classification (germline): Uncertain significance (1 of 4 stars; one submission).

Submission:

Labcorp Genetics (formerly Invitae), Labcorp
Classification: Uncertain significance. Last evaluated: 2024-02-17. Review status: criteria provided, single submitter. Criteria: Invitae Variant Classification Sherloc (09022015). Collection method: clinical testing. Allele origin: germline.
Comment: This sequence change replaces isoleucine, which is neutral and non-polar, with threonine, which is neutral and polar, at codon 765 of the PLK4 protein (p.Ile765Thr). This variant is not present in population databases (gnomAD no frequency). This variant has not been reported in the literature in individuals affected with PLK4-related conditions. ClinVar contains an entry for this variant (Variation ID: 1512917). An algorithm developed to predict the effect of missense changes on protein structure and function (PolyPhen-2) suggests that this variant is likely to be tolerated. In summary, the available evidence is currently insufficient to determine the role of this variant in disease. Therefore, it has been classified as a Variant of Uncertain Significance.